The following is an entry in ClinVar:

ClinVar aggregate classification (germline): Uncertain significance (1 of 4 stars; one submission).

Submission:

GeneDx
Classification: Uncertain significance. Last evaluated: 2025-05-23. Review status: criteria provided, single submitter. Criteria: GeneDx Variant Classification Process June 2021. Collection method: clinical testing. Allele origin: germline. Affected: yes.
Comment: Not observed at significant frequency in large population cohorts (gnomAD); In silico analysis supports that this missense variant has a deleterious effect on protein structure/function; Has not been previously published as pathogenic or benign to our knowledge

NM_001352913.2(PPP2R5C):c.1009A>T (p.Thr337Ser)

Gene: PPP2R5C (protein phosphatase 2 regulatory subunit B'gamma; plus strand). Cytogenetic location: 14q32.31.
Variant type: single nucleotide variant.
Coding change: c.1009A>T on transcript NM_001352913.2 (MANE Select); coding-DNA position 1009, A replaced by T.
Protein change: p.Thr337Ser; replaces threonine 337 with serine.
Molecular consequence: missense variant.
Genome position (GRCh38, 1-based): chr14:101,894,552, A>T. VCF-style: chr14-101894552-A-T. GRCh37 (hg19) VCF-style: chr14-102360889-A-T.
Other names: c.937A>T, p.Thr313Ser (NM_001161725.2); c.1009A>T, p.Thr337Ser (NM_001161726.2); c.844A>T, p.Thr282Ser (NM_001352912.1, NM_002719.4, NM_178586.3 and 1 more transcripts); c.1024A>T, p.Thr342Ser (NM_001352914.2); c.619A>T, p.Thr207Ser (NM_001352915.2, NM_001352916.2); short protein forms T207S, T282S, T313S, T337S, T342S.
Identifiers: ClinVar variation 4532426 (VCV004532426.1).